The following is an entry in ClinVar:

ClinVar aggregate classification (germline): Pathogenic (1 of 4 stars; one submission).

Submission:

ISCA site 15
Classification: Pathogenic. Last evaluated: 2011-08-12. Review status: criteria provided, single submitter. Criteria: Kaminsky et al. (Genet Med. 2011). Collection method: clinical testing. Allele origin: unknown. Affected: yes. Observed: 1 variant allele.
Comment: Copy number variation identified through the course of routine clinical cytogenomic testing in postnatal populations. Clinical assertions have been curated as described in Kaminsky et al. 2011.

GRCh38/hg38 7p21.1-15.3(chr7:18505390-21417733)x1

Genes: ABCB5 (ATP binding cassette subfamily B member 5; plus strand), FERD3L (Fer3 like bHLH transcription factor; minus strand), GIRGL (glutamine insufficiency regulator of glutaminase lncRNA; plus strand), HDAC9 (histone deacetylase 9; plus strand), HDAC9-AS1 (HDAC9 antisense RNA 1; minus strand) and 60 more. Cytogenetic location: 7p21.1-15.3.
Variant type: copy number loss.
Change: copy number 1 (one copy instead of two) of chr7:18,505,390-21,417,733 (2.91 Mb, GRCh38 coordinates, 1-based), cytogenetic band 7p21.1-15.3.
Identifiers: ClinVar variation 58535 (VCV000058535.1).